The following is an entry in ClinVar:

ClinVar aggregate classification (germline): Pathogenic (1 of 4 stars; one submission).

Conditions:
Rienhoff syndrome. Also called: LOEYS-DIETZ SYNDROME 5. Identifiers: MedGen C3810012, MONDO:0014262, OMIM 615582.

Submission:

Labcorp Genetics (formerly Invitae), Labcorp
Classification: Pathogenic for Rienhoff syndrome. Last evaluated: 2020-11-25. Review status: criteria provided, single submitter. Criteria: Invitae Variant Classification Sherloc (09022015). Collection method: clinical testing. Allele origin: germline.
Comment: For these reasons, this variant has been classified as Pathogenic. This variant has not been reported in the literature in individuals with TGFB3-related conditions. This variant is not present in population databases (ExAC no frequency). This sequence change creates a premature translational stop signal (p.Asn241Lysfs*5) in the TGFB3 gene. It is expected to result in an absent or disrupted protein product. Loss-of-function variants in TGFB3 are known to be pathogenic (PMID: 25835445, 26188975).

Literature cited by the submitters: PubMed 25835445; PubMed 26188975.

NM_003239.5(TGFB3):c.723del (p.Asn241fs)

Gene: TGFB3 (transforming growth factor beta 3; minus strand). Cytogenetic location: 14q24.3.
Variant type: Deletion.
Coding change: c.723del on transcript NM_003239.5 (MANE Select); coding-DNA position 723, one base deleted (C; older notation c.723delC).
Protein change: p.Asn241fs; shifts the reading frame from asparagine 241.
Molecular consequence: frameshift variant.
Genome position (GRCh38, 1-based): chr14:75,965,619, G deleted on the plus strand (C on the coding strand, the reverse complement: TGFB3 is on the minus strand). VCF-style (leftmost placement, unchanged base first): chr14-75965618-TG-T. GRCh37 (hg19) VCF-style: chr14-76431961-TG-T.
Other names: c.723del, p.Asn241fs (NM_001329938.2, NM_001329939.2); short protein forms N241fs.
Identifiers: ClinVar variation 1392107 (VCV001392107.6), dbSNP rs2140240223, ClinGen allele CA2573150230.